The following is an entry in ClinVar:

NM_018714.3(COG1):c.1446C>G (p.Asp482Glu)

Gene: COG1 (component of oligomeric golgi complex 1; plus strand). Cytogenetic location: 17q25.1.
Variant type: single nucleotide variant.
Coding change: c.1446C>G on transcript NM_018714.3 (MANE Select); coding-DNA position 1446, C replaced by G.
Protein change: p.Asp482Glu; replaces aspartic acid 482 with glutamic acid.
Molecular consequence: missense variant.
Genome position (GRCh38, 1-based): chr17:73,201,273, C>G. VCF-style: chr17-73201273-C-G. GRCh37 (hg19) VCF-style: chr17-71197412-C-G.
Other names: short protein forms D482E.
Identifiers: ClinVar variation 2058619 (VCV002058619.4), dbSNP rs191238196, ClinGen allele CA400891566.

ClinVar aggregate classification (germline): Uncertain significance (1 of 4 stars; one submission).

Conditions:
COG1 congenital disorder of glycosylation (CDG2G). Also called: CONGENITAL DISORDER OF GLYCOSYLATION, TYPE IIg; CDG IIg; CDGII/COG1 CEREBROCOSTOMANDIBULAR-LIKE SYNDROME. Identifiers: Orphanet 263508, MedGen C2931011, MONDO:0012637, OMIM 611209.

Submission:

Labcorp Genetics (formerly Invitae), Labcorp
Classification: Uncertain significance for COG1 congenital disorder of glycosylation. Last evaluated: 2024-10-22. Review status: criteria provided, single submitter. Criteria: Invitae Variant Classification Sherloc (09022015). Collection method: clinical testing. Allele origin: germline.
Comment: This sequence change replaces aspartic acid, which is acidic and polar, with glutamic acid, which is acidic and polar, at codon 482 of the COG1 protein (p.Asp482Glu). This variant is not present in population databases (gnomAD no frequency). This variant has not been reported in the literature in individuals affected with COG1-related conditions. ClinVar contains an entry for this variant (Variation ID: 2058619). Invitae Evidence Modeling of protein sequence and biophysical properties (such as structural, functional, and spatial information, amino acid conservation, physicochemical variation, residue mobility, and thermodynamic stability) indicates that this missense variant is expected to disrupt COG1 protein function with a positive predictive value of 80%. In summary, the available evidence is currently insufficient to determine the role of this variant in disease. Therefore, it has been classified as a Variant of Uncertain Significance.